The following is an entry in ClinVar:

NM_000243.3(MEFV):c.2020A>G (p.Ile674Val)

Genes: MEFV (MEFV innate immunity regulator, pyrin; minus strand), LOC126862264 (CDK7 strongly-dependent group 2 enhancer GRCh37_chr16:3293322-3294521; plus strand). Cytogenetic location: 16p13.3.
Variant type: single nucleotide variant.
Coding change: c.2020A>G on transcript NM_000243.3 (MANE Select); coding-DNA position 2020, A replaced by G.
Protein change: p.Ile674Val; replaces isoleucine 674 with valine.
Molecular consequence: missense variant. On other transcripts: 3 prime UTR variant (1).
Genome position (GRCh38, 1-based): chr16:3,243,467, T>C on the plus strand (A>G on the coding strand, the complement: MEFV is on the minus strand). VCF-style: chr16-3243467-T-C. GRCh37 (hg19) VCF-style: chr16-3293467-T-C.
Other names: c.*224A>G (NM_001198536.2); c.2020A>G (NM_000243.2); short protein forms I674V.
Identifiers: ClinVar variation 1345280 (VCV001345280.6), dbSNP rs1958891209, ClinGen allele CA394486774.

ClinVar aggregate classification (germline): Uncertain significance. Review status: criteria provided, multiple submitters, no conflicts (2 of 4 stars). 2 submissions from 2 submitters: Uncertain significance (2). Last evaluated 2021-08-30.

Conditions:
Inborn genetic diseases. Identifiers: MedGen C0950123, MeSH D030342.
Familial Mediterranean fever (FMF). Also called: Periodic peritonitis; Benign paroxysmal peritonitis; POLYSEROSITIS, FAMILIAL PAROXYSMAL; POLYSEROSITIS, RECURRENT. Identifiers: Orphanet 342, MedGen C0031069, MONDO:0018088, OMIM 249100. Disease mechanism: gain of function.

Allele frequency attached by ClinVar (database versions not stated): gnomAD exomes below 0.00001.

Submissions (2):

Labcorp Genetics (formerly Invitae), Labcorp
Classification: Uncertain significance for Familial Mediterranean fever. Last evaluated: 2021-08-30. Review status: criteria provided, single submitter. Criteria: Invitae Variant Classification Sherloc (09022015). Collection method: clinical testing. Allele origin: germline.
Comment: This sequence change replaces isoleucine with valine at codon 674 of the MEFV protein (p.Ile674Val). The isoleucine residue is weakly conserved and there is a small physicochemical difference between isoleucine and valine. This variant is not present in population databases (ExAC no frequency). This variant has not been reported in the literature in individuals affected with MEFV-related conditions. Algorithms developed to predict the effect of missense changes on protein structure and function output the following: SIFT: "Tolerated"; PolyPhen-2: "Benign"; Align-GVGD: "Class C0". The valine amino acid residue is found in multiple mammalian species, which suggests that this missense change does not adversely affect protein function. Algorithms developed to predict the effect of sequence changes on RNA splicing suggest that this variant may create or strengthen a splice site. In summary, the available evidence is currently insufficient to determine the role of this variant in disease. Therefore, it has been classified as a Variant of Uncertain Significance.

Ambry Genetics
Classification: Uncertain significance for Inborn genetic diseases. Last evaluated: 2021-08-12. Review status: criteria provided, single submitter. Criteria: Ambry Variant Classification Scheme 2023. Collection method: clinical testing. Allele origin: germline.